The following is an entry in ClinVar:

ClinVar aggregate classification (germline): Benign/Likely benign. Review status: criteria provided, multiple submitters, no conflicts (2 of 4 stars). 4 submissions from 4 submitters: Benign (1); Likely benign (3). Last evaluated 2025-11-14.

Conditions:
Pheochromocytoma/paraganglioma syndrome 5. Also called: Paragangliomas 5; SDHA-Related Hereditary Paraganglioma-Pheochromocytoma Syndrome. Identifiers: Orphanet 29072, MedGen C3279992, MONDO:0013602, OMIM 614165.
Mitochondrial complex II deficiency, nuclear type 1. Also called: SUCCINATE CoQ REDUCTASE DEFICIENCY. Identifiers: Orphanet 3208, MedGen C5700310, MONDO:0100294, OMIM 252011.
Hereditary cancer-predisposing syndrome. Also called: Tumor predisposition; Neoplastic Syndromes, Hereditary; Hereditary Cancer Syndrome; Hereditary neoplastic syndrome. Identifiers: Orphanet 140162, MedGen C0027672, MeSH D009386, MONDO:0015356.

Allele frequency attached by ClinVar (database versions not stated): gnomAD 0.00001; TOPMed 0.00001.
gnomAD v4.1: 3 of 1,611,926 alleles (0.00019%); highest among the groups gnomAD compares: Non-Finnish European, 0.00025%; no homozygotes.

Submissions (4):

Labcorp Genetics (formerly Invitae), Labcorp
Classification: Likely benign for Pheochromocytoma/paraganglioma syndrome 5; Mitochondrial complex II deficiency, nuclear type 1. Last evaluated: 2025-11-14. Review status: criteria provided, single submitter. Criteria: Invitae Variant Classification Sherloc (09022015). Collection method: clinical testing. Allele origin: germline.

Myriad Genetics, Inc.
Classification: Benign for Pheochromocytoma/paraganglioma syndrome 5. Last evaluated: 2025-03-10. Review status: criteria provided, single submitter. Criteria: Myriad Autosomal Dominant, Autosomal Recessive and X-Linked Classification Criteria (2023). Collection method: clinical testing. Allele origin: unknown.
Comment: This variant is considered benign. This variant is a silent/synonymous amino acid change and it is not expected to impact splicing.

Quest Diagnostics Nichols Institute San Juan Capistrano
Classification: Likely benign. Last evaluated: 2023-09-06. Review status: criteria provided, single submitter. Criteria: Quest Diagnostics criteria. Collection method: clinical testing. Allele origin: unknown.

Ambry Genetics
Classification: Likely benign for Hereditary cancer-predisposing syndrome. Last evaluated: 2020-03-05. Review status: criteria provided, single submitter. Criteria: Ambry Variant Classification Scheme 2023. Collection method: clinical testing. Allele origin: germline.

NM_004168.4(SDHA):c.1596G>A (p.Leu532=)

Gene: SDHA (succinate dehydrogenase complex flavoprotein subunit A; plus strand). Cytogenetic location: 5p15.33.
Variant type: single nucleotide variant.
Coding change: c.1596G>A on transcript NM_004168.4 (MANE Select); coding-DNA position 1596, G replaced by A.
Protein change: p.Leu532=; no amino-acid change (leucine 532 retained).
Molecular consequence: synonymous variant. On other transcripts: intron variant (1).
Genome position (GRCh38, 1-based): chr5:251,036, G>A. VCF-style: chr5-251036-G-A. GRCh37 (hg19) VCF-style: chr5-251151-G-A.
Other names: c.1452G>A, p.Leu484= (NM_001294332.2); c.1552-3357G>A (NM_001330758.2).
Identifiers: ClinVar variation 749174 (VCV000749174.15), dbSNP rs1449742263, ClinGen allele CA442657281.